The following is an entry in ClinVar:

ClinVar aggregate classification (germline): VUS-low (1 of 4 stars; one submission).

Conditions:
Hypertrophic cardiomyopathy 26. Also called: Cardiomyopathy, familial hypertrophic, 26. Identifiers: Orphanet 75249, MedGen C4310749, MONDO:0014883, OMIM 617047.

Submission:

Center for Molecular Medicine, Children’s Hospital of Fudan University
Classification: VUS-low for Hypertrophic cardiomyopathy 26. Last evaluated: 2025-12-12. Review status: criteria provided, single submitter. Criteria: ACMG Guidelines 2015. Collection method: clinical testing. Allele origin: maternal. Affected: yes.
Comment: PM2_PP

NM_001458.5(FLNC):c.5480C>T (p.Ala1827Val)

Genes: FLNC (filamin C; plus strand), FLNC-AS1 (FLNC antisense RNA 1; minus strand). Cytogenetic location: 7q32.1.
Variant type: single nucleotide variant.
Coding change: c.5480C>T on transcript NM_001458.5 (MANE Select); coding-DNA position 5480, C replaced by T.
Protein change: p.Ala1827Val; replaces alanine 1827 with valine.
Molecular consequence: missense variant.
Genome position (GRCh38, 1-based): chr7:128,850,884, C>T. VCF-style: chr7-128850884-C-T. GRCh37 (hg19) VCF-style: chr7-128490938-C-T.
Other names: c.5381C>T, p.Ala1794Val (NM_001127487.2); short protein forms A1794V, A1827V.
Identifiers: ClinVar variation 5037766 (VCV005037766.1).